The following is an entry in ClinVar:

ClinVar aggregate classification (germline): Likely benign (1 of 4 stars; one submission).

Conditions:
AP1B1-related disorder. Also called: AP1B1-related condition.

gnomAD v4.1: 65 of 1,613,948 alleles (0.004%); highest among the groups gnomAD compares: Non-Finnish European, 0.0053%; no homozygotes.

Submission:

PreventionGenetics, part of Exact Sciences
Classification: Likely benign for AP1B1-related condition. Last evaluated: 2026-07-23. Review status: criteria provided, single submitter. Criteria: ACMG Guidelines, 2015. Collection method: clinical testing. Allele origin: germline.
Comment: This variant is classified as likely benign based on ACMG/AMP sequence variant interpretation guidelines (Richards et al. 2015 PMID: 25741868, with internal and published modifications).

NM_001127.4(AP1B1):c.201G>A (p.Lys67=)

Gene: AP1B1 (adaptor related protein complex 1 subunit beta 1; minus strand). Cytogenetic location: 22q12.2.
Variant type: single nucleotide variant.
Coding change: c.201G>A on transcript NM_001127.4 (MANE Select); coding-DNA position 201, G replaced by A.
Protein change: p.Lys67=; no amino-acid change (lysine 67 retained).
Molecular consequence: synonymous variant.
Genome position (GRCh38, 1-based): chr22:29,359,902, C>T on the plus strand (G>A on the coding strand, the complement: AP1B1 is on the minus strand). VCF-style: chr22-29359902-C-T. GRCh37 (hg19) VCF-style: chr22-29755891-C-T.
Other names: c.201G>A, p.Lys67= (NM_001166019.2, NM_001378562.1, NM_001378563.1 and 2 more transcripts); c.30G>A, p.Lys10= (NM_001378564.1, NM_001378565.1).
Identifiers: ClinVar variation 4990091 (VCV004990091.1).